The following is an entry in ClinVar:

NM_022163.4(MRPL46):c.289C>T (p.Arg97Ter)

Gene: MRPL46 (mitochondrial ribosomal protein L46; minus strand). Cytogenetic location: 15q25.3.
Variant type: single nucleotide variant.
Coding change: c.289C>T on transcript NM_022163.4 (MANE Select); coding-DNA position 289, C replaced by T.
Protein change: p.Arg97Ter; replaces arginine 97 with a stop codon.
Molecular consequence: nonsense.
Genome position (GRCh38, 1-based): chr15:88,465,713, G>A on the plus strand (C>T on the coding strand, the complement: MRPL46 is on the minus strand). VCF-style: chr15-88465713-G-A. GRCh37 (hg19) VCF-style: chr15-89008944-G-A.
Other names: short protein forms R97*.
Identifiers: ClinVar variation 161757 (VCV000161757.2), dbSNP rs193920884, ClinGen allele CA174728.

ClinVar aggregate classification (germline): Uncertain significance (0 of 4 stars; one submission).

Conditions:
Prostate cancer. Also called: Malignant tumor of prostate. Identifiers: Orphanet 1331, MedGen C0376358, MONDO:0008315, HP:0012125.

Allele frequency attached by ClinVar (database versions not stated): TOPMed below 0.00001; ExAC 0.00001; gnomAD 0.00001; gnomAD exomes below 0.00001.
gnomAD v4.1: 2 of 1,613,436 alleles (0.00012%); highest among the groups gnomAD compares: Non-Finnish European, 0.00017%; no homozygotes.

Submission:

Science for Life laboratory,  Karolinska Institutet
Classification: Uncertain significance for Malignant tumor of prostate. Review status: no assertion criteria provided. Collection method: not provided. Allele origin: somatic.
Comment: TumorID:SWE-17
ClinVar note: Converted during submission from Unknown to Uncertain significance.